The following is an entry in ClinVar:

NM_022168.4(IFIH1):c.2667G>C (p.Lys889Asn)

Gene: IFIH1 (interferon induced with helicase C domain 1; minus strand). Cytogenetic location: 2q24.2.
Variant type: single nucleotide variant.
Coding change: c.2667G>C on transcript NM_022168.4 (MANE Select); coding-DNA position 2667, G replaced by C.
Protein change: p.Lys889Asn; replaces lysine 889 with asparagine.
Molecular consequence: missense variant.
Genome position (GRCh38, 1-based): chr2:162,268,227, C>G on the plus strand (G>C on the coding strand, the complement: IFIH1 is on the minus strand). VCF-style: chr2-162268227-C-G. GRCh37 (hg19) VCF-style: chr2-163124737-C-G.
Other names: short protein forms K889N.
Identifiers: ClinVar variation 2443635 (VCV002443635.1), dbSNP rs1576220148, ClinGen allele CA348992038.

ClinVar aggregate classification (germline): Uncertain significance (1 of 4 stars; one submission).

Submission:

GeneDx
Classification: Uncertain significance. Last evaluated: 2022-09-07. Review status: criteria provided, single submitter. Criteria: GeneDx Variant Classification Process June 2021. Collection method: clinical testing. Allele origin: germline. Affected: yes.
Comment: Not observed at significant frequency in large population cohorts (gnomAD); In silico analysis supports that this missense variant does not alter protein structure/function; Has not been previously published as pathogenic or benign to our knowledge